The following is an entry in ClinVar:

ClinVar aggregate classification (germline): Uncertain significance. Review status: criteria provided, multiple submitters, no conflicts (2 of 4 stars). 3 submissions from 3 submitters: Uncertain significance (2). 1 of the submissions does not count toward it. Last evaluated 2024-09-06.

Conditions:
Retinal dystrophy. Also called: Inherited retinal dystrophy. Identifiers: Orphanet 71862, MedGen C0854723, MeSH D058499, MONDO:0019118, HP:0000556.

Allele frequency attached by ClinVar (database versions not stated): gnomAD exomes 0.00002; TOPMed 0.00003; ExAC 0.00004; ESP Exome Variant Server 0.00008; gnomAD 0.00008; 1000 Genomes Project 30x 0.00016; 1000 Genomes Project 0.00020.
gnomAD v4.1: 47 of 1,614,144 alleles (0.0029%); highest among the groups gnomAD compares: Admixed American, 0.015%; no homozygotes.

Submissions (3):

Blueprint Genetics
Classification: Uncertain significance. Last evaluated: 2024-09-06. Review status: criteria provided, single submitter. Criteria: ACMG Guidelines, 2015. Collection method: clinical testing. Allele origin: germline.

Labcorp Genetics (formerly Invitae), Labcorp
Classification: Uncertain significance. Last evaluated: 2022-05-17. Review status: criteria provided, single submitter. Criteria: Invitae Variant Classification Sherloc (09022015). Collection method: clinical testing. Allele origin: germline.
Comment: This sequence change replaces arginine, which is basic and polar, with histidine, which is basic and polar, at codon 948 of the ABCA4 protein (p.Arg948His). This variant is present in population databases (rs148545207, gnomAD 0.02%). This variant has not been reported in the literature in individuals affected with ABCA4-related conditions. ClinVar contains an entry for this variant (Variation ID: 849073). Advanced modeling of protein sequence and biophysical properties (such as structural, functional, and spatial information, amino acid conservation, physicochemical variation, residue mobility, and thermodynamic stability) performed at Invitae indicates that this missense variant is not expected to disrupt ABCA4 protein function. In summary, the available evidence is currently insufficient to determine the role of this variant in disease. Therefore, it has been classified as a Variant of Uncertain Significance.

Institute of Human Genetics, Univ. Regensburg, Univ. Regensburg
Classification: Uncertain significance for Retinal dystrophy. Last evaluated: 2022-01-01. Review status: no assertion criteria provided. Criteria: ACMG Guidelines, 2015. Collection method: clinical testing. Allele origin: germline. Affected: yes. Not counted in ClinVar's aggregate classification.

NM_000350.3(ABCA4):c.2843G>A (p.Arg948His)

Gene: ABCA4 (ATP binding cassette subfamily A member 4; minus strand). Cytogenetic location: 1p22.1.
Variant type: single nucleotide variant.
Coding change: c.2843G>A on transcript NM_000350.3 (MANE Select); coding-DNA position 2843, G replaced by A.
Protein change: p.Arg948His; replaces arginine 948 with histidine.
Molecular consequence: missense variant.
Genome position (GRCh38, 1-based): chr1:94,046,994, C>T on the plus strand (G>A on the coding strand, the complement: ABCA4 is on the minus strand). VCF-style: chr1-94046994-C-T. GRCh37 (hg19) VCF-style: chr1-94512550-C-T.
Other names: c.2621G>A, p.Arg874His (NM_001425324.1); short protein forms R948H, R874H.
Identifiers: ClinVar variation 849073 (VCV000849073.7), dbSNP rs148545207, ClinGen allele CA958138.